The following is an entry in ClinVar:

NM_003890.3(FCGBP):c.6186C>T (p.His2062=)

Gene: FCGBP (Fc gamma binding protein; minus strand). Cytogenetic location: 19q13.2.
Variant type: single nucleotide variant.
Coding change: c.6186C>T on transcript NM_003890.3 (MANE Select); coding-DNA position 6186, C replaced by T.
Protein change: p.His2062=; no amino-acid change (histidine 2062 retained).
Molecular consequence: synonymous variant.
Identifiers: ClinVar variation 4534316 (VCV004534316.3).

ClinVar aggregate classification (germline): Likely benign (1 of 4 stars; one submission).

Submission:

CeGaT Center for Human Genetics Tuebingen
Classification: Likely benign. Last evaluated: 2026-03-01. Review status: criteria provided, single submitter. Criteria: CeGaT Center For Human Genetics Tuebingen Variant Classification Criteria Version 2. Collection method: clinical testing. Allele origin: germline. Affected: yes. Observed: 2 variant alleles.
Comment: FCGBP: PM2:Supporting, BP4, BP7